The following is an entry in ClinVar:

NM_001110219.3(GJB6):c.568G>A (p.Val190Met)

Gene: GJB6 (gap junction protein beta 6; minus strand). Cytogenetic location: 13q12.11.
Variant type: single nucleotide variant.
Coding change: c.568G>A on transcript NM_001110219.3 (MANE Select); coding-DNA position 568, G replaced by A.
Protein change: p.Val190Met; replaces valine 190 with methionine.
Molecular consequence: missense variant.
Genome position (GRCh38, 1-based): chr13:20,222,913, C>T on the plus strand (G>A on the coding strand, the complement: GJB6 is on the minus strand). VCF-style: chr13-20222913-C-T. GRCh37 (hg19) VCF-style: chr13-20797052-C-T.
Other names: c.568G>A, p.Val190Met (NM_001110220.3, NM_001110221.3, NM_001370090.1 and 3 more transcripts); c.568G>A (NM_001110219.2); short protein forms V190M.
Identifiers: ClinVar variation 2460041 (VCV002460041.6), dbSNP rs144174802, ClinGen allele CA6904417.

ClinVar aggregate classification (germline): Uncertain significance. Review status: criteria provided, multiple submitters, no conflicts (2 of 4 stars). 3 submissions from 3 submitters: Uncertain significance (3). Last evaluated 2026-08-17.

Conditions:
Autosomal dominant nonsyndromic hearing loss 3B. Identifiers: Orphanet 90635, MedGen C2675237, MONDO:0012975, OMIM 612643.
Autosomal recessive nonsyndromic hearing loss 1A (DFNB1A). Also called: Nonsyndromic Hearing Loss and Deafness, DFNB1; GJB6-Related DFNB 1 Nonsyndromic Hearing Loss and Deafness; Deafness, autosomal recessive 1A; GJB2-Related Autosomal Recessive Nonsyndromic Hearing Loss; Connexin 26 deafness; Deafness nonsyndromic, Connexin 26 linked. Identifiers: Orphanet 90636, MedGen C2673759, MONDO:0009076, OMIM 220290.
Hidrotic ectodermal dysplasia syndrome (GJB6). Also called: ECTODERMAL DYSPLASIA 2, CLOUSTON TYPE; Hidrotic ectodermal dysplasia; Ectodermal dysplasia 2, hidrotic; Autosomal dominant hidrotic ectodermal dysplasia; Clouston syndrome; Clouston's hidrotic ectodermal dysplasia. Identifiers: Orphanet 189, MedGen C0162361, MONDO:0007510, OMIM 129500.
Autosomal recessive nonsyndromic hearing loss 1B. Also called: DEAFNESS, AUTOSOMAL RECESSIVE 1B. Identifiers: Orphanet 90636, MedGen C2675235, MONDO:0012977, OMIM 612645.
GJB6-related disorder. Also called: GJB6-related disorders.
Inborn genetic diseases. Identifiers: MedGen C0950123, MeSH D030342.

Allele frequency attached by ClinVar (database versions not stated): ESP Exome Variant Server 0.00008.

Submissions (3):

PreventionGenetics, part of Exact Sciences
Classification: Uncertain significance for GJB6-related condition. Last evaluated: 2026-08-17. Review status: criteria provided, single submitter. Criteria: ACMG Guidelines, 2015. Collection method: clinical testing. Allele origin: germline.
Comment: The GJB6 c.568G>A variant is predicted to result in the amino acid substitution p.Val190Met. To our knowledge, this variant has not been reported in the literature. This variant is reported in 0.012% of alleles in individuals of African descent in gnomAD. An alternative missense variant at the same codon (p.Val190Ala) has been reported in the heterozygous state in an individual with hearing loss (Table 2, Beck et al. 2015. PubMed ID: 25214170). At this time, the clinical significance of this variant is uncertain due to the absence of conclusive functional and genetic evidence.

Ambry Genetics
Classification: Uncertain significance for Inborn genetic diseases. Last evaluated: 2025-10-14. Review status: criteria provided, single submitter. Criteria: Ambry Variant Classification Scheme 2023. Collection method: clinical testing. Allele origin: germline.

Labcorp Genetics (formerly Invitae), Labcorp
Classification: Uncertain significance for Autosomal dominant nonsyndromic hearing loss 3B; Hidrotic ectodermal dysplasia syndrome; Autosomal recessive nonsyndromic hearing loss 1B; Autosomal recessive nonsyndromic hearing loss 1A. Last evaluated: 2024-12-24. Review status: criteria provided, single submitter. Criteria: Invitae Variant Classification Sherloc (09022015). Collection method: clinical testing. Allele origin: germline.
Comment: This sequence change replaces valine, which is neutral and non-polar, with methionine, which is neutral and non-polar, at codon 190 of the GJB6 protein (p.Val190Met). This variant is present in population databases (rs144174802, gnomAD 0.01%). This variant has not been reported in the literature in individuals affected with GJB6-related conditions. ClinVar contains an entry for this variant (Variation ID: 2460041). Invitae Evidence Modeling of protein sequence and biophysical properties (such as structural, functional, and spatial information, amino acid conservation, physicochemical variation, residue mobility, and thermodynamic stability) indicates that this missense variant is not expected to disrupt GJB6 protein function with a negative predictive value of 80%. In summary, the available evidence is currently insufficient to determine the role of this variant in disease. Therefore, it has been classified as a Variant of Uncertain Significance.